The following is an entry in ClinVar:

ClinVar aggregate classification (germline): Uncertain significance (1 of 4 stars; one submission).

gnomAD v4.1: 7 of 1,613,774 alleles (0.00043%); highest among the groups gnomAD compares: African/African-American, 0.004%; no homozygotes.

Submission:

Labcorp Genetics (formerly Invitae), Labcorp
Classification: Uncertain significance. Last evaluated: 2025-01-08. Review status: criteria provided, single submitter. Criteria: Invitae Variant Classification Sherloc (09022015). Collection method: clinical testing. Allele origin: germline.
Comment: This sequence change affects codon 88 of the USB1 mRNA. It is a 'silent' change, meaning that it does not change the encoded amino acid sequence of the USB1 protein. It affects a nucleotide within the consensus splice site. This variant is not present in population databases (gnomAD no frequency). This variant has not been reported in the literature in individuals affected with USB1-related conditions. Algorithms developed to predict the effect of sequence changes on RNA splicing suggest that this variant may create or strengthen a splice site. In summary, the available evidence is currently insufficient to determine the role of this variant in disease. Therefore, it has been classified as a Variant of Uncertain Significance.

NM_024598.4(USB1):c.264A>G (p.Pro88=)

Gene: USB1 (U6 snRNA biogenesis phosphodiesterase 1; plus strand). Cytogenetic location: 16q21.
Variant type: single nucleotide variant.
Coding change: c.264A>G on transcript NM_024598.4 (MANE Select); coding-DNA position 264, A replaced by G.
Protein change: p.Pro88=; no amino-acid change (proline 88 retained).
Molecular consequence: synonymous variant.
Genome position (GRCh38, 1-based): chr16:58,002,644, A>G. VCF-style: chr16-58002644-A-G. GRCh37 (hg19) VCF-style: chr16-58036548-A-G.
Other names: c.264A>G, p.Pro88= (NM_001195302.2, NM_001204911.2, NM_001330569.2); c.111A>G, p.Pro37= (NM_001330568.2).
Identifiers: ClinVar variation 3711149 (VCV003711149.2).
Genomic context (GRCh38, chr16:58,002,644, plus strand): 5'-GGGACGGGTGCGCACCTTCCCCCACGAGCGAGGCAACTGGGCCACCCACGTCTATGTACC[A>G]TGTGAGTGATGTGTGAAAGGCAAGTTGCCAAGACCCATAGACCCGTAGGTGCCTCATGAA-3'
Protein context (NP_078874.2, residues 78-98): RGNWATHVYV[Pro88=]YEAKEEFLDL